The following is an entry in ClinVar:

ClinVar aggregate classification (germline): Uncertain significance (1 of 4 stars; one submission).

Allele frequency attached by ClinVar (database versions not stated): ExAC 0.00001; TOPMed 0.00002; gnomAD exomes 0.00001.
gnomAD v4.1: 2 of 1,613,872 alleles (0.00012%); highest among the groups gnomAD compares: Admixed American, 0.0033%; no homozygotes.

Submission:

Labcorp Genetics (formerly Invitae), Labcorp
Classification: Uncertain significance. Last evaluated: 2023-01-10. Review status: criteria provided, single submitter. Criteria: Invitae Variant Classification Sherloc (09022015). Collection method: clinical testing. Allele origin: germline.
Comment: In summary, the available evidence is currently insufficient to determine the role of this variant in disease. Therefore, it has been classified as a Variant of Uncertain Significance. Advanced modeling of protein sequence and biophysical properties (such as structural, functional, and spatial information, amino acid conservation, physicochemical variation, residue mobility, and thermodynamic stability) performed at Invitae indicates that this missense variant is not expected to disrupt USH2A protein function. ClinVar contains an entry for this variant (Variation ID: 1406410). This variant has not been reported in the literature in individuals affected with USH2A-related conditions. This variant is present in population databases (rs762837293, gnomAD 0.006%). This sequence change replaces glutamic acid, which is acidic and polar, with glutamine, which is neutral and polar, at codon 1913 of the USH2A protein (p.Glu1913Gln).

NM_206933.4(USH2A):c.5737G>C (p.Glu1913Gln)

Genes: USH2A (usherin; minus strand), USH2A-AS2 (USH2A antisense RNA 2; plus strand). Cytogenetic location: 1q41.
Variant type: single nucleotide variant.
Coding change: c.5737G>C on transcript NM_206933.4 (MANE Select); coding-DNA position 5737, G replaced by C.
Protein change: p.Glu1913Gln; replaces glutamic acid 1913 with glutamine.
Molecular consequence: missense variant.
Genome position (GRCh38, 1-based): chr1:216,073,136, C>G on the plus strand (G>C on the coding strand, the complement: USH2A is on the minus strand). VCF-style: chr1-216073136-C-G. GRCh37 (hg19) VCF-style: chr1-216246478-C-G.
Other names: short protein forms E1913Q.
Identifiers: ClinVar variation 1406410 (VCV001406410.4), dbSNP rs762837293, ClinGen allele CA1395371.